The following is an entry in ClinVar:

ClinVar aggregate classification (germline): Uncertain significance (1 of 4 stars; one submission).

Submission:

GeneDx
Classification: Uncertain significance. Last evaluated: 2024-02-28. Review status: criteria provided, single submitter. Criteria: GeneDx Variant Classification Process June 2021. Collection method: clinical testing. Allele origin: germline. Affected: yes.
Comment: Not observed at significant frequency in large population cohorts (gnomAD); Missense variants in this gene are a common cause of disease and they are underrepresented in the general population; In silico analysis supports that this missense variant does not alter protein structure/function; Has not been previously published as pathogenic or benign to our knowledge

NM_006306.4(SMC1A):c.1490A>G (p.Gln497Arg)

Gene: SMC1A (structural maintenance of chromosomes 1A; minus strand). Cytogenetic location: Xp11.22.
Variant type: single nucleotide variant.
Coding change: c.1490A>G on transcript NM_006306.4 (MANE Select); coding-DNA position 1490, A replaced by G.
Protein change: p.Gln497Arg; replaces glutamine 497 with arginine.
Molecular consequence: missense variant.
Genome position (GRCh38, 1-based): chrX:53,409,117, T>C on the plus strand (A>G on the coding strand, the complement: SMC1A is on the minus strand). VCF-style: chrX-53409117-T-C. GRCh37 (hg19) VCF-style: chrX-53436048-T-C.
Other names: c.1424A>G, p.Gln475Arg (NM_001281463.1); short protein forms Q475R, Q497R.
Identifiers: ClinVar variation 2446508 (VCV002446508.2), dbSNP rs2520942683, ClinGen allele CA413255456.